The following is an entry in ClinVar:

NM_000038.6(APC):c.1408+1782A>G

Gene: APC (APC regulator of WNT signaling pathway; plus strand). Cytogenetic location: 5q22.2.
Variant type: single nucleotide variant.
Coding change: c.1408+1782A>G on transcript NM_000038.6 (MANE Select); 1782 bases into the intron after coding-DNA position 1408, A replaced by G.
Molecular consequence: intron variant.
Genome position (GRCh38, 1-based): chr5:112,823,773, A>G. VCF-style: chr5-112823773-A-G. GRCh37 (hg19) VCF-style: chr5-112159470-A-G.
Other names: c.1408+1782A>G (NM_001354895.2, NM_001127510.3); c.1438+1782A>G (NM_001354897.2); c.1135+1782A>G (NM_001354902.2); c.1354+1782A>G (NM_001127511.3); c.1333+1782A>G (NM_001354898.2); c.1030+1782A>G (NM_001354904.2); c.559+1782A>G (NM_001354906.2); c.1462+413A>G (NM_001354896.2); and 5 more.
Identifiers: ClinVar variation 83140 (VCV000083140.2), dbSNP rs2546107, ClinGen allele CA004910.
Genomic context (GRCh38, chr5:112,823,773, plus strand): 5'-CCCCAGAAACTGTGCTAGGCACTAGATTTTTATAATGATTAAGACCTGGTCCTGGCTTTC[A>G]GGGAACTCACAGTTTATTTGCATTAGTGTTTCACAAAATACCTAAATCATAATGATCACC-3'

ClinVar aggregate classification (germline): other (0 of 4 stars; one submission).

Conditions:
Familial colorectal cancer. Identifiers: MedGen CN280943, MONDO:0023113. Disease mechanism: loss of function.

Allele frequency attached by ClinVar (database versions not stated): gnomAD 0.38503 and 0.39828; TOPMed 0.40609; 1000 Genomes Project 30x 0.43114; 1000 Genomes Project 0.43570.
gnomAD v4.1: 60,769 of 152,086 alleles (40%); highest among the groups gnomAD compares: East Asian, 67%; 14,649 homozygotes.

Submission:

Systems Biology Platform Zhejiang California International NanoSystems Institute
Classification: other for Familial colorectal cancer. Review status: no assertion criteria provided. Collection method: not provided. Allele origin: unknown.
ClinVar note: Converted during submission from cancer to other.